The following is an entry in ClinVar:

ClinVar aggregate classification (germline): Benign/Likely benign. Review status: criteria provided, multiple submitters, no conflicts (2 of 4 stars). 3 submissions from 3 submitters: Benign (1); Likely benign (2). Last evaluated 2026-01-26.

Conditions:
Hypertrophic cardiomyopathy. Also called: HYPERTROPHIC MYOCARDIOPATHY. Identifiers: Orphanet 217569, MedGen C0007194, MeSH D002312, MONDO:0005045, HP:0001639.

Allele frequency attached by ClinVar (database versions not stated): 1000 Genomes Project 30x 0.00047; 1000 Genomes Project 0.00060; TOPMed 0.00126; gnomAD exomes 0.00142; gnomAD 0.00149; ExAC 0.00159; ESP Exome Variant Server 0.00176.
gnomAD v4.1: 3,174 of 1,611,646 alleles (0.2%); highest among the groups gnomAD compares: Non-Finnish European, 0.24%; 1 homozygote.

Submissions (3):

Labcorp Genetics (formerly Invitae), Labcorp
Classification: Benign for Hypertrophic cardiomyopathy. Last evaluated: 2026-01-26. Review status: criteria provided, single submitter. Criteria: Invitae Variant Classification Sherloc (09022015). Collection method: clinical testing. Allele origin: germline.

Ambry Genetics
Classification: Likely benign. Last evaluated: 2022-05-18. Review status: criteria provided, single submitter. Criteria: Ambry Variant Classification Scheme 2023. Collection method: clinical testing. Allele origin: germline.

Laboratory for Molecular Medicine, Mass General Brigham Personalized Medicine
Classification: Likely benign. Last evaluated: 2015-03-11. Review status: criteria provided, single submitter. Criteria: LMM Criteria. Collection method: clinical testing. Allele origin: germline. Observed: 3 variant alleles.
Comment: p.Leu1592Leu in exon 38 of MYOM1: This variant is not expected to have clinical significance because it does not alter an amino acid residue and is not located within the splice consensus sequence. It has been identified in 0.3% (166/66238) of European chromosomes by the Exome Aggregation Consortium (ExAC.; dbSNP rs1143658).

NM_003803.4(MYOM1):c.4776C>G (p.Leu1592=)

Gene: MYOM1 (myomesin 1; minus strand). Cytogenetic location: 18p11.31.
Variant type: single nucleotide variant.
Coding change: c.4776C>G on transcript NM_003803.4 (MANE Select); coding-DNA position 4776, C replaced by G.
Protein change: p.Leu1592=; no amino-acid change (leucine 1592 retained).
Molecular consequence: synonymous variant.
Genome position (GRCh38, 1-based): chr18:3,067,544, G>C on the plus strand (C>G on the coding strand, the complement: MYOM1 is on the minus strand). VCF-style: chr18-3067544-G-C. GRCh37 (hg19) VCF-style: chr18-3067542-G-C.
Other names: c.4488C>G, p.Leu1496= (NM_019856.2).
Identifiers: ClinVar variation 227704 (VCV000227704.58), dbSNP rs1143658, ClinGen allele CA8873766.
Genomic context (GRCh38, chr18:3,067,544, plus strand): 5'-GGCCTTCTCGTTCTTCAACCACGACACCTCCGGAGGCGGGTCTCCCCACACGTTGCAAGT[G>C]AGATTAAGGGCCTGCAAGACAGGTTTTATGGGAGAGAAGAAGATAAATTAGATGTAATAG-3'
Protein context (NP_003794.3, residues 1582-1602): VTIQEGKALN[Leu1592=]TCNVWGDPPP